The following is an entry in ClinVar:

NM_033400.3(ZFHX2):c.2464C>T (p.Arg822Cys)

Genes: THTPA (thiamine triphosphatase; plus strand), ZFHX2 (zinc finger homeobox 2; minus strand). Cytogenetic location: 14q11.2.
Variant type: single nucleotide variant.
Coding change: c.2464C>T on transcript NM_033400.3 (MANE Select); coding-DNA position 2464, C replaced by T.
Protein change: p.Arg822Cys; replaces arginine 822 with cysteine.
Molecular consequence: missense variant.
Genome position (GRCh38, 1-based): chr14:23,532,662, G>A on the plus strand (C>T on the coding strand, the complement: ZFHX2 is on the minus strand). VCF-style: chr14-23532662-G-A. GRCh37 (hg19) VCF-style: chr14-24001871-G-A.
Other names: c.2464C>T (NM_033400.2); short protein forms R822C.
Identifiers: ClinVar variation 2644118 (VCV002644118.25), dbSNP rs780826119, ClinGen allele CA257797310.

ClinVar aggregate classification (germline): Conflicting classifications of pathogenicity. Review status: criteria provided, conflicting classifications (1 of 4 stars). 2 submissions from 2 submitters: Uncertain significance (1); Likely benign (1). Last evaluated 2025-02-05.

Allele frequency attached by ClinVar (database versions not stated): gnomAD exomes 0.00007; gnomAD 0.00011; TOPMed 0.00011.
gnomAD v4.1: 119 of 1,499,366 alleles (0.0079%); highest among the groups gnomAD compares: Middle Eastern, 0.051%; no homozygotes.

Submissions (2):

Ambry Genetics
Classification: Uncertain significance. Last evaluated: 2025-02-05. Review status: criteria provided, single submitter. Criteria: Ambry Variant Classification Scheme 2023. Collection method: clinical testing. Allele origin: germline.

CeGaT Center for Human Genetics Tuebingen
Classification: Likely benign. Last evaluated: 2022-04-01. Review status: criteria provided, single submitter. Criteria: CeGaT Center For Human Genetics Tuebingen Variant Classification Criteria Version 2. Collection method: clinical testing. Allele origin: germline. Affected: yes. Observed: 1 variant allele.
Comment: ZFHX2: BS2